The following is an entry in ClinVar:

NM_018127.7(ELAC2):c.1778A>G (p.Asn593Ser)

Gene: ELAC2 (elaC ribonuclease Z 2; minus strand). Cytogenetic location: 17p12.
Variant type: single nucleotide variant.
Coding change: c.1778A>G on transcript NM_018127.7 (MANE Select); coding-DNA position 1778, A replaced by G.
Protein change: p.Asn593Ser; replaces asparagine 593 with serine.
Molecular consequence: missense variant.
Genome position (GRCh38, 1-based): chr17:12,995,733, T>C on the plus strand (A>G on the coding strand, the complement: ELAC2 is on the minus strand). VCF-style: chr17-12995733-T-C. GRCh37 (hg19) VCF-style: chr17-12899050-T-C.
Other names: c.1658A>G, p.Asn553Ser (NM_001165962.2); c.1775A>G, p.Asn592Ser (NM_173717.2); short protein forms N553S, N592S, N593S.
Identifiers: ClinVar variation 2161653 (VCV002161653.5), dbSNP rs2040435108, ClinGen allele CA398223548.

ClinVar aggregate classification (germline): Conflicting classifications of pathogenicity. Review status: criteria provided, conflicting classifications (1 of 4 stars). 2 submissions from 2 submitters: Uncertain significance (1); Likely benign (1). Last evaluated 2023-07-13.

Conditions:
Combined oxidative phosphorylation defect type 17. Also called: Combined oxidative phosphorylation deficiency 17. Identifiers: Orphanet 369913, MedGen C3809526, MONDO:0014190, OMIM 615440.

Allele frequency attached by ClinVar (database versions not stated): gnomAD exomes below 0.00001; TOPMed below 0.00001; gnomAD 0.00001.
gnomAD v4.1: 4 of 1,612,558 alleles (0.00025%); highest among the groups gnomAD compares: Non-Finnish European, 0.00025%; no homozygotes.

Submissions (2):

Blueprint Genetics
Classification: Likely benign. Last evaluated: 2023-07-13. Review status: criteria provided, single submitter. Criteria: ACMG Guidelines, 2015. Collection method: clinical testing. Allele origin: germline.

Labcorp Genetics (formerly Invitae), Labcorp
Classification: Uncertain significance for Combined oxidative phosphorylation defect type 17. Last evaluated: 2022-07-27. Review status: criteria provided, single submitter. Criteria: Invitae Variant Classification Sherloc (09022015). Collection method: clinical testing. Allele origin: germline.
Comment: In summary, the available evidence is currently insufficient to determine the role of this variant in disease. Therefore, it has been classified as a Variant of Uncertain Significance. This sequence change replaces asparagine, which is neutral and polar, with serine, which is neutral and polar, at codon 593 of the ELAC2 protein (p.Asn593Ser). This variant is not present in population databases (gnomAD no frequency). This variant has not been reported in the literature in individuals affected with ELAC2-related conditions. Algorithms developed to predict the effect of missense changes on protein structure and function (SIFT, PolyPhen-2, Align-GVGD) all suggest that this variant is likely to be tolerated.